The following is an entry in ClinVar:

ClinVar aggregate classification (germline): Uncertain significance (1 of 4 stars; one submission).

Conditions:
Epilepsy, familial adult myoclonic, 5 (EPEO5). Also called: CORTICAL MYOCLONIC TREMOR WITH EPILEPSY, FAMILIAL, 5. Identifiers: Orphanet 86814, MedGen C3809374, MONDO:0014167, OMIM 615400.

Allele frequency attached by ClinVar (database versions not stated): gnomAD exomes below 0.00001; TOPMed below 0.00001; gnomAD 0.00003.
gnomAD v4.1: 4 of 1,614,132 alleles (0.00025%); highest among the groups gnomAD compares: Non-Finnish European, 0.00025%; no homozygotes.

Submission:

Labcorp Genetics (formerly Invitae), Labcorp
Classification: Uncertain significance for Epilepsy, familial adult myoclonic, 5. Last evaluated: 2022-04-18. Review status: criteria provided, single submitter. Criteria: Invitae Variant Classification Sherloc (09022015). Collection method: clinical testing. Allele origin: germline.
Comment: This sequence change replaces serine, which is neutral and polar, with proline, which is neutral and non-polar, at codon 481 of the CNTN2 protein (p.Ser481Pro). This variant is present in population databases (no rsID available, gnomAD 0.0008%). This variant has not been reported in the literature in individuals affected with CNTN2-related conditions. ClinVar contains an entry for this variant (Variation ID: 474463). Advanced modeling of protein sequence and biophysical properties (such as structural, functional, and spatial information, amino acid conservation, physicochemical variation, residue mobility, and thermodynamic stability) performed at Invitae indicates that this missense variant is not expected to disrupt CNTN2 protein function. In summary, the available evidence is currently insufficient to determine the role of this variant in disease. Therefore, it has been classified as a Variant of Uncertain Significance.

NM_005076.5(CNTN2):c.1441T>C (p.Ser481Pro)

Gene: CNTN2 (contactin 2; plus strand). Cytogenetic location: 1q32.1.
Variant type: single nucleotide variant.
Coding change: c.1441T>C on transcript NM_005076.5 (MANE Select); coding-DNA position 1441, T replaced by C.
Protein change: p.Ser481Pro; replaces serine 481 with proline.
Molecular consequence: missense variant. On other transcripts: non-coding transcript variant (1).
Genome position (GRCh38, 1-based): chr1:205,064,672, T>C. VCF-style: chr1-205064672-T-C. GRCh37 (hg19) VCF-style: chr1-205033800-T-C.
Other names: c.1441T>C, p.Ser481Pro (NM_001346083.2); short protein forms S481P.
Identifiers: ClinVar variation 474463 (VCV000474463.8), dbSNP rs1362090710, ClinGen allele CA344375090.